The following is an entry in ClinVar:

ClinVar aggregate classification (germline): Pathogenic. Review status: reviewed by expert panel (3 of 4 stars). 2 submissions from 2 submitters: Pathogenic (1). 1 of the submissions does not count toward it. Last evaluated 2020-05-08.

Conditions:
Phenylketonuria (PKU). Also called: Phenylketonuria (PKU); FOLLING DISEASE; OLIGOPHRENIA PHENYLPYRUVICA; Phenylketonurias. Identifiers: Orphanet 716, MedGen C0031485, MONDO:0009861, OMIM 261600. Disease mechanism: loss of function.

Submissions (2):

ClinGen PAH Variant Curation Expert Panel
Classification: Pathogenic for Phenylketonuria. Last evaluated: 2020-05-08. Review status: reviewed by expert panel. Criteria: ClinGen PAH ACMG Specifications v1. Collection method: curation. Allele origin: germline. Inheritance: Autosomal recessive inheritance.
Comment: This is a nonsense variant in exon 4 out of 13 coding exons, predicted to undergo nonsense mediated mRNA decay, as it is not located in the 3'-most exon or the 3'-most 50 bp of the penultimate exon. The exon is present in biologically-relevant transcripts (PVS1). Patient was found to be homozygous for p.W125X (PMID:19786003) (PM3). Parental and familial DNA was sequenced. Variant was absent from controls in gnomAD, PAGE, 100 Genomes or ESP (PM2). In summary, this variant meets criteria to be classified as pathogenic for PAH. PAH-specific ACMG/AMP criteria applied:PVS1, PM3_supporting, PP4, PM2.

DeBelle Laboratory for Biochemical Genetics, MUHC/MCH RESEARCH INSTITUTE
No classification provided. Review status: no classification provided. Collection method: not provided. Allele origin: not provided. Not counted in ClinVar's aggregate classification.

Literature cited by the submitters: PubMed 19786003 (cited by ClinGen PAH Variant Curation Expert Panel).

NM_000277.3(PAH):c.359G>A (p.Trp120Ter)

Gene: PAH (phenylalanine hydroxylase; minus strand). Cytogenetic location: 12q23.2.
Variant type: single nucleotide variant.
Coding change: c.359G>A on transcript NM_000277.3 (MANE Select); coding-DNA position 359, G replaced by A.
Protein change: p.Trp120Ter; replaces tryptophan 120 with a stop codon.
Molecular consequence: nonsense.
Genome position (GRCh38, 1-based): chr12:102,877,544, C>T on the plus strand (G>A on the coding strand, the complement: PAH is on the minus strand). VCF-style: chr12-102877544-C-T. GRCh37 (hg19) VCF-style: chr12-103271322-C-T.
Other names: c.359G>A, p.Trp120Ter (NM_001354304.2); short protein forms W120*.
Identifiers: ClinVar variation 102656 (VCV000102656.2), dbSNP rs199475586, ClinGen allele CA229522.
Genomic context (GRCh38, chr12:102,877,544, plus strand): 5'-GCTCCATAGCTGAGAATCTGATTGGCAAATCTGTCCAGCTCTTGAATGGTTCTTGGGAAC[C>T]AGGGCACTGAAACACAGAGAAGGCAACGTCCTGAGTACAGATTGGCAGAACATGGCCAAA-3'